The following is an entry in ClinVar:

NM_006420.3(ARFGEF2):c.4620C>T (p.Tyr1540=)

Gene: ARFGEF2 (ARF guanine nucleotide exchange factor 2; plus strand). Cytogenetic location: 20q13.13.
Variant type: single nucleotide variant.
Coding change: c.4620C>T on transcript NM_006420.3 (MANE Select); coding-DNA position 4620, C replaced by T.
Protein change: p.Tyr1540=; no amino-acid change (tyrosine 1540 retained).
Molecular consequence: synonymous variant.
Genome position (GRCh38, 1-based): chr20:49,018,994, C>T. VCF-style: chr20-49018994-C-T. GRCh37 (hg19) VCF-style: chr20-47635531-C-T.
Other names: c.4617C>T, p.Tyr1539= (NM_001410846.1).
Identifiers: ClinVar variation 3048147 (VCV003048147.2), dbSNP rs781383474, ClinGen allele CA9899268.

ClinVar aggregate classification (germline): Likely benign (0 of 4 stars; one submission).

Conditions:
ARFGEF2-related disorder. Also called: ARFGEF2-related condition.

Allele frequency attached by ClinVar (database versions not stated): gnomAD 0.00001; TOPMed 0.00001; gnomAD exomes 0.00002; ExAC 0.00003.
gnomAD v4.1: 33 of 1,612,648 alleles (0.002%); highest among the groups gnomAD compares: South Asian, 0.0088%; no homozygotes.

Submission:

PreventionGenetics, part of Exact Sciences
Classification: Likely benign for ARFGEF2-related condition. Last evaluated: 2019-04-01. Review status: no assertion criteria provided. Collection method: clinical testing. Allele origin: germline.
Comment: This variant is classified as likely benign based on ACMG/AMP sequence variant interpretation guidelines (Richards et al. 2015 PMID: 25741868, with internal and published modifications).